The following is an entry in ClinVar:

ClinVar aggregate classification (germline): Pathogenic (1 of 4 stars; one submission).

Allele frequency attached by ClinVar (database versions not stated): gnomAD exomes below 0.00001.

Submission:

Labcorp Genetics (formerly Invitae), Labcorp
Classification: Pathogenic. Last evaluated: 2022-09-16. Review status: criteria provided, single submitter. Criteria: Invitae Variant Classification Sherloc (09022015). Collection method: clinical testing. Allele origin: germline.
Comment: Algorithms developed to predict the effect of sequence changes on RNA splicing suggest that this variant may disrupt the consensus splice site. For these reasons, this variant has been classified as Pathogenic. This variant is not present in population databases (gnomAD no frequency). This variant has not been reported in the literature in individuals affected with GLE1-related conditions. ClinVar contains an entry for this variant (Variation ID: 1072793). This sequence change creates a premature translational stop signal (p.Thr304Lysfs*19) in the GLE1 gene. It is expected to result in an absent or disrupted protein product. Loss-of-function variants in GLE1 are known to be pathogenic (PMID: 18204449, 24243016, 27684565).

Literature cited by the submitters: PubMed 18204449; PubMed 24243016; PubMed 27684565.

NM_001003722.2(GLE1):c.911del (p.Thr304fs)

Gene: GLE1 (GLE1 RNA export mediator; plus strand). Cytogenetic location: 9q34.11.
Variant type: Deletion.
Coding change: c.911del on transcript NM_001003722.2 (MANE Select); coding-DNA position 911, one base deleted (C; older notation c.911delC).
Protein change: p.Thr304fs; shifts the reading frame from threonine 304.
Molecular consequence: frameshift variant.
Genome position (GRCh38, 1-based): chr9:128,525,205, C deleted. VCF-style (leftmost placement, unchanged base first): chr9-128525204-AC-A. GRCh37 (hg19) VCF-style: chr9-131287483-AC-A.
Other names: c.911del, p.Thr304fs (NM_001499.2); short protein forms T304fs.
Identifiers: ClinVar variation 1072793 (VCV001072793.7), dbSNP rs2132465004, ClinGen allele CA2499219657.
Genomic context (GRCh38, chr9:128,525,204, plus strand): 5'-ATTTACCTAGGGAATGACCACTAAGCACCATCTCCGTCACTCTGACAGAGCAGCTATCCC[AC>A]AGCAGAGAGTCAAGCTGAGGCTGAGCGAGCTCTGCGGGAAATGCGGGACCTCCTGATGAA-3'